The following is an entry in ClinVar:

ClinVar aggregate classification (germline): Uncertain significance (1 of 4 stars; one submission).

gnomAD v4.1: 1 of 1,550,788 alleles (0.000064%); no homozygotes.

Submission:

Labcorp Genetics (formerly Invitae), Labcorp
Classification: Uncertain significance. Last evaluated: 2025-03-31. Review status: criteria provided, single submitter. Criteria: Invitae Variant Classification Sherloc (09022015). Collection method: clinical testing. Allele origin: germline.
Comment: This sequence change replaces glutamic acid, which is acidic and polar, with aspartic acid, which is acidic and polar, at codon 539 of the BCL11B protein (p.Glu539Asp). This variant is not present in population databases (gnomAD no frequency). This variant has not been reported in the literature in individuals affected with BCL11B-related conditions. ClinVar contains an entry for this variant (Variation ID: 1063576). Invitae Evidence Modeling of protein sequence and biophysical properties (such as structural, functional, and spatial information, amino acid conservation, physicochemical variation, residue mobility, and thermodynamic stability) indicates that this missense variant is not expected to disrupt BCL11B protein function with a negative predictive value of 95%. In summary, the available evidence is currently insufficient to determine the role of this variant in disease. Therefore, it has been classified as a Variant of Uncertain Significance.

NM_138576.4(BCL11B):c.1617G>T (p.Glu539Asp)

Gene: BCL11B (BCL11 transcription factor B; minus strand). Cytogenetic location: 14q32.2.
Variant type: single nucleotide variant.
Coding change: c.1617G>T on transcript NM_138576.4 (MANE Select); coding-DNA position 1617, G replaced by T.
Protein change: p.Glu539Asp; replaces glutamic acid 539 with aspartic acid.
Molecular consequence: missense variant.
Genome position (GRCh38, 1-based): chr14:99,175,219, C>A on the plus strand (G>T on the coding strand, the complement: BCL11B is on the minus strand). VCF-style: chr14-99175219-C-A. GRCh37 (hg19) VCF-style: chr14-99641556-C-A.
Other names: c.1614G>T, p.Glu538Asp (NM_001282237.2); c.1401G>T, p.Glu467Asp (NM_001282238.2); c.1404G>T, p.Glu468Asp (NM_022898.3); short protein forms E467D, E468D, E538D, E539D.
Identifiers: ClinVar variation 1063576 (VCV001063576.9), dbSNP rs376168981, ClinGen allele CA390934976.
Genomic context (GRCh38, chr14:99,175,219, plus strand): 5'-GTCCATGCTGAAGCTCGACTCGGGCCGGCTCTCGTTCTCCAGTAGCAGCTCCTCCTCCTC[C>A]TCCTCCTCCTCCTCGTCCTCCTCCTCCGGCTCGTGGCCCAGCGACGGGTCGCTCTCGTGG-3'
Protein context (NP_612808.1, residues 529-549): EPEEEDEEEE[Glu539Asp]EEEELLLENE